The following is an entry in ClinVar:

ClinVar aggregate classification (germline): Benign (1 of 4 stars; one submission).

Conditions:
Colorectal cancer, hereditary nonpolyposis, type 7. Identifiers: Orphanet 144, MedGen C1858380, MONDO:0013725, OMIM 614385.

gnomAD v4.1: 2 of 1,614,150 alleles (0.00012%); highest among the groups gnomAD compares: South Asian, 0.0022%; no homozygotes.

Submission:

Myriad Genetics, Inc.
Classification: Benign for Colorectal cancer, hereditary nonpolyposis, type 7. Last evaluated: 2026-09-14. Review status: criteria provided, single submitter. Criteria: Myriad Autosomal Dominant, Autosomal Recessive and X-Linked Classification Criteria (2023). Collection method: clinical testing. Allele origin: unknown.
Comment: This variant is considered benign. This variant is a silent/synonymous amino acid change and it is not expected to impact splicing.

NM_001040108.2(MLH3):c.2457A>G (p.Gln819=)

Gene: MLH3 (mutL homolog 3; minus strand). Cytogenetic location: 14q24.3.
Variant type: single nucleotide variant.
Coding change: c.2457A>G on transcript NM_001040108.2 (MANE Select); coding-DNA position 2457, A replaced by G.
Protein change: p.Gln819=; no amino-acid change (glutamine 819 retained).
Molecular consequence: synonymous variant.
Genome position (GRCh38, 1-based): chr14:75,047,199, T>C on the plus strand (A>G on the coding strand, the complement: MLH3 is on the minus strand). VCF-style: chr14-75047199-T-C. GRCh37 (hg19) VCF-style: chr14-75513902-T-C.
Other names: c.2457A>G, p.Gln819= (NM_014381.3).
Identifiers: ClinVar variation 5042194 (VCV005042194.1).